The following is an entry in ClinVar:

ClinVar aggregate classification (germline): Uncertain significance. Review status: criteria provided, multiple submitters, no conflicts (2 of 4 stars). 2 submissions from 2 submitters: Uncertain significance (2). Last evaluated 2024-11-26.

Conditions:
Cardiovascular phenotype. Identifiers: MedGen CN230736.
Myofibrillar myopathy 5. Also called: FILAMINOPATHY, AUTOSOMAL DOMINANT; Filaminopathy (type). Identifiers: Orphanet 171445, MedGen C1836050, MONDO:0012289, OMIM 609524.
Distal myopathy with posterior leg and anterior hand involvement. Also called: WILLIAMS DISTAL MYOPATHY. Identifiers: Orphanet 63273, MedGen C3279722, MONDO:0013550, OMIM 614065.
Hypertrophic cardiomyopathy 26. Also called: Cardiomyopathy, familial hypertrophic, 26. Identifiers: Orphanet 75249, MedGen C4310749, MONDO:0014883, OMIM 617047.

Allele frequency attached by ClinVar (database versions not stated): gnomAD exomes below 0.00001; gnomAD 0.00002 and 0.00003; TOPMed 0.00002.
gnomAD v4.1: 7 of 1,613,878 alleles (0.00043%); highest among the groups gnomAD compares: African/African-American, 0.004%; no homozygotes.

Submissions (2):

Labcorp Genetics (formerly Invitae), Labcorp
Classification: Uncertain significance for Distal myopathy with posterior leg and anterior hand involvement; Myofibrillar myopathy 5; Hypertrophic cardiomyopathy 26. Last evaluated: 2024-11-26. Review status: criteria provided, single submitter. Criteria: Invitae Variant Classification Sherloc (09022015). Collection method: clinical testing. Allele origin: germline.
Comment: This sequence change replaces valine, which is neutral and non-polar, with methionine, which is neutral and non-polar, at codon 2522 of the FLNC protein (p.Val2522Met). This variant is present in population databases (rs780917403, gnomAD 0.01%). This variant has not been reported in the literature in individuals affected with FLNC-related conditions. ClinVar contains an entry for this variant (Variation ID: 853570). An algorithm developed to predict the effect of missense changes on protein structure and function (PolyPhen-2) suggests that this variant is likely to be tolerated. In summary, the available evidence is currently insufficient to determine the role of this variant in disease. Therefore, it has been classified as a Variant of Uncertain Significance.

Ambry Genetics
Classification: Uncertain significance for Cardiovascular phenotype. Last evaluated: 2022-05-02. Review status: criteria provided, single submitter. Criteria: Ambry Variant Classification Scheme 2023. Collection method: clinical testing. Allele origin: germline.
Comment: The p.V2522M variant (also known as c.7564G>A), located in coding exon 46 of the FLNC gene, results from a G to A substitution at nucleotide position 7564. The valine at codon 2522 is replaced by methionine, an amino acid with highly similar properties. This amino acid position is conserved. In addition, this alteration is predicted to be tolerated by in silico analysis. Since supporting evidence is limited at this time, the clinical significance of this alteration remains unclear.

NM_001458.5(FLNC):c.7564G>A (p.Val2522Met)

Genes: FLNC (filamin C; plus strand), FLNC-AS1 (FLNC antisense RNA 1; minus strand). Cytogenetic location: 7q32.1.
Variant type: single nucleotide variant.
Coding change: c.7564G>A on transcript NM_001458.5 (MANE Select); coding-DNA position 7564, G replaced by A.
Protein change: p.Val2522Met; replaces valine 2522 with methionine.
Molecular consequence: missense variant.
Genome position (GRCh38, 1-based): chr7:128,857,120, G>A. VCF-style: chr7-128857120-G-A. GRCh37 (hg19) VCF-style: chr7-128497174-G-A.
Other names: c.7465G>A, p.Val2489Met (NM_001127487.2); short protein forms V2489M, V2522M.
Identifiers: ClinVar variation 853570 (VCV000853570.12), dbSNP rs780917403, ClinGen allele CA166195287.
Genomic context (GRCh38, chr7:128,857,120, plus strand): 5'-AGTCCCTCTTGGGCCACAAGCCCTTCCTGCCCTCAGCCTTGCTACCTCTGGCCCCCAGGT[G>A]TGTCATCAGAGTTCATCGTGAACACCCTGAATGCCGGCTCGGGGGCCTTGTCTGTCACCA-3'
Protein context (NP_001449.3, residues 2512-2532): GPGLEGGTTG[Val2522Met]SSEFIVNTLN